The following is an entry in ClinVar:

NM_000059.4(BRCA2):c.9617_9619dup (p.Gln3206_Ile3207insLys)

Gene: BRCA2 (BRCA2 DNA repair associated; plus strand). Cytogenetic location: 13q13.1.
Variant type: Duplication.
Coding change: c.9617_9619dup on transcript NM_000059.4 (MANE Select); coding-DNA positions 9617 to 9619, 3 bases duplicated (AAA; older notation c.9617_9619dupAAA).
Protein change: p.Gln3206_Ile3207insLys.
Molecular consequence: inframe insertion.
Genome position (GRCh38, 1-based): chr13:32,397,013-32,397,015, AAA duplicated. VCF-style (leftmost placement, unchanged base first): chr13-32397012-C-CAAA. GRCh37 (hg19) VCF-style: chr13-32971149-C-CAAA.
Other names: c.9617_9619dupAAA (NM_000059.3).
Identifiers: ClinVar variation 252420 (VCV000252420.22), dbSNP rs750833754, ClinGen allele CA6941418.
Genomic context (GRCh38, chr13:32,397,012, plus strand): 5'-GCAAATGATCCCAAGTGGTCCACCCCAACTAAAGACTGTACTTCAGGGCCGTACACTGCT[C>CAAA]AAATCATTCCTGGTACAGGAAACAAGCTTCTGGTAAGTTAATGTAAACTCAAGGAATATT-3'

ClinVar aggregate classification (germline): Uncertain significance. Review status: criteria provided, multiple submitters, no conflicts (2 of 4 stars). 5 submissions from 5 submitters: Uncertain significance (5). Last evaluated 2026-01-02.

Conditions:
Hereditary cancer-predisposing syndrome. Also called: Tumor predisposition; Hereditary Cancer Syndrome; Neoplastic Syndromes, Hereditary; Hereditary neoplastic syndrome. Identifiers: Orphanet 140162, MedGen C0027672, MeSH D009386, MONDO:0015356.
Hereditary breast ovarian cancer syndrome. Also called: Hereditary breast and ovarian cancer; Breast and ovarian cancer; Hereditary breast and/or ovarian cancer syndrome; BRCA1- and BRCA2-Associated Hereditary Breast and Ovarian Cancer; Hereditary breast and ovarian cancer syndrome; Hereditary breast and ovarian cancer syndrome (HBOC). Identifiers: Orphanet 145, MedGen C0677776, MeSH D061325, MONDO:0003582. Disease mechanism: loss of function.
Breast-ovarian cancer, familial, susceptibility to, 2 (BROVCA2). Also called: BRCA2 Hereditary Breast and Ovarian Cancer. Identifiers: Orphanet 145, MedGen C2675520, MONDO:0012933, OMIM 612555. Disease mechanism: loss of function.

Allele frequency attached by ClinVar (database versions not stated): TOPMed below 0.00001; gnomAD exomes 0.00001; ExAC 0.00002.

Submissions (5):

Labcorp Genetics (formerly Invitae), Labcorp
Classification: Uncertain significance for Hereditary breast ovarian cancer syndrome. Last evaluated: 2026-01-02. Review status: criteria provided, single submitter. Criteria: Invitae Variant Classification Sherloc (09022015). Collection method: clinical testing. Allele origin: germline.
Comment: This variant, c.9617_9619dup, results in the insertion of 1 amino acid(s) of the BRCA2 protein (p.Gln3206_Ile3207insLys), but otherwise preserves the integrity of the reading frame. This variant is present in population databases (rs750833754, gnomAD 0.002%). This variant has not been reported in the literature in individuals affected with BRCA2-related conditions. ClinVar contains an entry for this variant (Variation ID: 252420). Experimental studies and prediction algorithms are not available or were not evaluated, and the functional significance of this variant is currently unknown. In summary, the available evidence is currently insufficient to determine the role of this variant in disease. Therefore, it has been classified as a Variant of Uncertain Significance.

Ambry Genetics
Classification: Uncertain significance for Hereditary cancer-predisposing syndrome. Last evaluated: 2025-11-17. Review status: criteria provided, single submitter. Criteria: Ambry Variant Classification Scheme 2023. Collection method: clinical testing. Allele origin: germline.
Comment: The c.9617_9619dupAAA variant (also known as p.Q3206_I3207insK), located in coding exon 25 of the BRCA2 gene, results from an in-frame duplication of AAA at nucleotide positions 9617 to 9619. This results in the insertion of a lysine between codons 3206 and 3207. This amino acid region is not well conserved in available vertebrate species. In addition, this alteration is predicted to be neutral by in silico analysis (Choi Y et al. PLoS ONE. 2012; 7(10):e46688). Based on the available evidence, the clinical significance of this variant remains unclear.

Color Diagnostics, LLC DBA Color Health
Classification: Uncertain significance for Hereditary cancer-predisposing syndrome. Last evaluated: 2025-08-27. Review status: criteria provided, single submitter. Criteria: ACMG Guidelines, 2015. Collection method: clinical testing. Allele origin: germline.
Comment: This variant causes an in-frame insertion of one protein amino acid, lysine, between glutamine 3206 and isoleucine 3207 in the BRCA2 protein. To our knowledge, functional studies have not been reported for this variant. This variant has not been reported in individuals affected with BRCA2-related disorders in the literature. This variant has been identified in 2/251370 chromosomes in the general population by the Genome Aggregation Database (gnomAD). The available evidence is insufficient to determine the role of this variant in disease conclusively. Therefore, this variant is classified as a Variant of Uncertain Significance.

All of Us Research Program, National Institutes of Health
Classification: Uncertain significance for Breast-ovarian cancer, familial, susceptibility to, 2. Last evaluated: 2023-05-04. Review status: criteria provided, single submitter. Criteria: ACMG Guidelines, 2015. Collection method: clinical testing. Allele origin: germline. Inheritance: Autosomal dominant inheritance. Observed: 1 variant allele, 1 heterozygote.
Comment: This variant causes an in-frame insertion of one amino acid in the BRCA2 protein. To our knowledge, functional studies have not been reported for this variant. This variant has not been reported in individuals affected with BRCA2-related disorders in the literature. This variant has been identified in 2/251370 chromosomes in the general population by the Genome Aggregation Database (gnomAD). The available evidence is insufficient to determine the role of this variant in disease conclusively. Therefore, this variant is classified as a Variant of Uncertain Significance.

This study involves interpretation of variants in research participants for the purpose of population health screening. Participant phenotype was not available at the time of variant classification. Additional details can be found in publication PMID: 35346344, PMCID: PMC8962531

Quest Diagnostics Nichols Institute San Juan Capistrano
Classification: Uncertain significance for Breast-ovarian cancer, familial, susceptibility to, 2. Last evaluated: 2016-03-26. Review status: criteria provided, single submitter. Criteria: Quest Diagnostics criteria. Collection method: clinical testing. Allele origin: germline. Inheritance: Autosomal dominant inheritance.

Literature cited by the submitters: PubMed 26295337 (cited by Quest Diagnostics Nichols Institute San Juan Capistrano).